The following is an entry in ClinVar:

NM_032043.3(BRIP1):c.2737del (p.Ser913fs)

Gene: BRIP1 (BRCA1 interacting DNA helicase 1; minus strand). Cytogenetic location: 17q23.2.
Variant type: Deletion.
Coding change: c.2737del on transcript NM_032043.3 (MANE Select); coding-DNA position 2737, one base deleted (T; older notation c.2737delT).
Protein change: p.Ser913fs; shifts the reading frame from serine 913.
Molecular consequence: frameshift variant.
Genome position (GRCh38, 1-based): chr17:61,686,004, A deleted on the plus strand (T on the coding strand, the reverse complement: BRIP1 is on the minus strand). VCF-style (leftmost placement, unchanged base first): chr17-61686003-GA-G. GRCh37 (hg19) VCF-style: chr17-59763364-GA-G.
Other names: c.2737delT (NM_032043.2); short protein forms S913fs.
Identifiers: ClinVar variation 479427 (VCV000479427.13), dbSNP rs1555573386, ClinGen allele CA658658653.
Genomic context (GRCh38, chr17:61,686,003, plus strand): 5'-TTTTCTGGTGATAGATGACTTGCTGCTTCCAGTAAATAAGGTGAGGTACTGTACTTTAAA[GA>G]GGTCACTTCAAGTGTAGACTCATTGTCCTGTATATTGGTTCTGTCCTTTATGGATACATT-3'

ClinVar aggregate classification (germline): Pathogenic. Review status: criteria provided, multiple submitters, no conflicts (2 of 4 stars). 2 submissions from 2 submitters: Pathogenic (2). Last evaluated 2020-03-05.

Conditions:
Fanconi anemia complementation group J. Also called: BRIP1-Related Fanconi Anemia. Identifiers: Orphanet 84, MedGen C1836860, MONDO:0012187, OMIM 609054.
Familial cancer of breast. Also called: BREAST CANCER, FAMILIAL; Hereditary breast cancer; hereditary breast carcinoma. Identifiers: Orphanet 227535, MedGen C0346153, MONDO:0016419, OMIM 114480. Disease mechanism: loss of function.
Hereditary cancer-predisposing syndrome. Also called: Tumor predisposition; Neoplastic Syndromes, Hereditary; Hereditary Cancer Syndrome; Hereditary neoplastic syndrome. Identifiers: Orphanet 140162, MedGen C0027672, MeSH D009386, MONDO:0015356.

Allele frequency attached by ClinVar (database versions not stated): gnomAD exomes below 0.00001.

Submissions (2):

Labcorp Genetics (formerly Invitae), Labcorp
Classification: Pathogenic for Familial cancer of breast; Fanconi anemia complementation group J. Last evaluated: 2020-03-05. Review status: criteria provided, single submitter. Criteria: Invitae Variant Classification Sherloc (09022015). Collection method: clinical testing. Allele origin: germline.
Comment: This sequence change creates a premature translational stop signal (p.Ser913Leufs*2) in the BRIP1 gene. It is expected to result in an absent or disrupted protein product. This variant is not present in population databases (ExAC no frequency). This variant has not been reported in the literature in individuals with BRIP1-related conditions. ClinVar contains an entry for this variant (Variation ID: 479427). Loss-of-function variants in BRIP1 are known to be pathogenic (PMID: 16116423, 17033622, 21964575). For these reasons, this variant has been classified as Pathogenic.

Ambry Genetics
Classification: Pathogenic for Hereditary cancer-predisposing syndrome. Last evaluated: 2016-04-25. Review status: criteria provided, single submitter. Criteria: Ambry Variant Classification Scheme 2023. Collection method: clinical testing. Allele origin: germline.
Comment: The c.2737delT pathogenic mutation, located in coding exon 18 of the BRIP1 gene, results from a deletion of one nucleotide at nucleotide position 2737, causing a translational frameshift with a predicted alternate stop codon. Since frameshifts are typically deleterious in nature, this alteration is interpreted as a disease-causing mutation (ACMG Recommendations for Standards for Interpretation and Reporting of Sequence Variations. Revision 2007. Genet Med. 2008;10:294).

Literature cited by the submitters: PubMed 16116423 (cited by Labcorp Genetics (formerly Invitae), Labcorp); PubMed 17033622 (cited by Labcorp Genetics (formerly Invitae), Labcorp); PubMed 21964575 (cited by Labcorp Genetics (formerly Invitae), Labcorp).